The following is an entry in ClinVar:

NM_013275.6(ANKRD11):c.5198C>T (p.Ala1733Val)

Gene: ANKRD11 (ankyrin repeat domain 11; minus strand). Cytogenetic location: 16q24.3.
Variant type: single nucleotide variant.
Coding change: c.5198C>T on transcript NM_013275.6 (MANE Select); coding-DNA position 5198, C replaced by T.
Protein change: p.Ala1733Val; replaces alanine 1733 with valine.
Molecular consequence: missense variant.
Genome position (GRCh38, 1-based): chr16:89,281,344, G>A on the plus strand (C>T on the coding strand, the complement: ANKRD11 is on the minus strand). VCF-style: chr16-89281344-G-A. GRCh37 (hg19) VCF-style: chr16-89347752-G-A.
Other names: c.5198C>T (NM_013275.4); c.5198C>T, p.Ala1733Val (NM_001256182.2, NM_001256183.2); short protein forms A1733V.
Identifiers: ClinVar variation 446827 (VCV000446827.49), dbSNP rs148243995, ClinGen allele CA8241912.

ClinVar aggregate classification (germline): Benign/Likely benign. Review status: criteria provided, multiple submitters, no conflicts (2 of 4 stars). 9 submissions from 9 submitters: Benign (5); Likely benign (3). 1 of the submissions does not count toward it. Last evaluated 2026-07-01.

Conditions:
ANKRD11-related disorder. Also called: ANKRD11-related condition.
Inborn genetic diseases. Identifiers: MedGen C0950123, MeSH D030342.
KBG syndrome (KBGS). Also called: ANKRD11-Related KBG Syndrome. Identifiers: Orphanet 2332, MedGen C0220687, MONDO:0007846, OMIM 148050.

Allele frequency attached by ClinVar (database versions not stated): gnomAD exomes 0.00044; ExAC 0.00049; ESP Exome Variant Server 0.00115; gnomAD 0.00131 and 0.00140; 1000 Genomes Project 0.00140; TOPMed 0.00145; 1000 Genomes Project 30x 0.00156.
gnomAD v4.1: 439 of 1,612,416 alleles (0.027%); highest among the groups gnomAD compares: African/African-American, 0.43%; 1 homozygote.

Submissions (9):

CeGaT Center for Human Genetics Tuebingen
Classification: Likely benign. Last evaluated: 2026-07-01. Review status: criteria provided, single submitter. Criteria: CeGaT Center For Human Genetics Tuebingen Variant Classification Criteria Version 2. Collection method: clinical testing. Allele origin: germline. Affected: yes. Observed: 2 variant alleles.
Comment: ANKRD11: BP4, BS1

Labcorp Genetics (formerly Invitae), Labcorp
Classification: Benign for KBG syndrome. Last evaluated: 2025-12-21. Review status: criteria provided, single submitter. Criteria: Invitae Variant Classification Sherloc (09022015). Collection method: clinical testing. Allele origin: germline.

Blueprint Genetics
Classification: Likely benign. Last evaluated: 2024-11-26. Review status: criteria provided, single submitter. Criteria: ACMG Guidelines, 2015. Collection method: clinical testing. Allele origin: germline.

Ambry Genetics
Classification: Likely benign for Inborn genetic diseases. Last evaluated: 2024-04-11. Review status: criteria provided, single submitter. Criteria: Ambry Variant Classification Scheme 2023. Collection method: clinical testing. Allele origin: germline.

Genome-Nilou Lab
Classification: Benign for KBG syndrome. Last evaluated: 2021-12-05. Review status: criteria provided, single submitter. Criteria: ACMG Guidelines, 2015. Collection method: clinical testing. Allele origin: germline. Affected: no.

Medical Cytogenetics and Molecular Genetics Laboratory, IRCCS Istituto Auxologico Italiano
Classification: Benign for KBG syndrome. Last evaluated: 2021-11-01. Review status: criteria provided, single submitter. Criteria: ACMG Guidelines, 2015. Collection method: research. Allele origin: maternal. Affected: yes. Observed: 1 variant allele.

GeneDx
Classification: Benign. Last evaluated: 2019-07-23. Review status: criteria provided, single submitter. Criteria: GeneDx Variant Classification Process June 2021. Collection method: clinical testing. Allele origin: germline. Affected: yes.

Athena Diagnostics
Classification: Benign. Last evaluated: 2017-06-28. Review status: criteria provided, single submitter. Criteria: Athena Diagnostics Criteria. Collection method: clinical testing. Allele origin: germline.

PreventionGenetics, part of Exact Sciences
Classification: Benign for ANKRD11-related condition. Last evaluated: 2022-01-31. Review status: no assertion criteria provided. Collection method: clinical testing. Allele origin: germline. Not counted in ClinVar's aggregate classification.
Comment: This variant is classified as benign based on ACMG/AMP sequence variant interpretation guidelines (Richards et al. 2015 PMID: 25741868, with internal and published modifications).